The following is an entry in ClinVar:

NM_006245.4(PPP2R5D):c.382C>T (p.Leu128Phe)

Gene: PPP2R5D (protein phosphatase 2 regulatory subunit B'delta; plus strand). Cytogenetic location: 6p21.1.
Variant type: single nucleotide variant.
Coding change: c.382C>T on transcript NM_006245.4 (MANE Select); coding-DNA position 382, C replaced by T.
Protein change: p.Leu128Phe; replaces leucine 128 with phenylalanine.
Molecular consequence: missense variant. On other transcripts: 5 prime UTR variant (1).
Genome position (GRCh38, 1-based): chr6:43,006,970, C>T. VCF-style: chr6-43006970-C-T. GRCh37 (hg19) VCF-style: chr6-42974708-C-T.
Other names: c.-72C>T (NM_001270476.2); c.286C>T, p.Leu96Phe (NM_180976.3); c.64C>T, p.Leu22Phe (NM_180977.3); short protein forms L128F, L22F, L96F.
Identifiers: ClinVar variation 2770591 (VCV002770591.3), dbSNP rs770394907, ClinGen allele CA364182578.
Genomic context (GRCh38, chr6:43,006,970, plus strand): 5'-GATTCGCCAACCCAGGAGCGGGAGGAGCTGTTTATCCAGAAGCTACGCCAGTGCTGTGTC[C>T]TCTTTGACTTCGTGTCAGACCCACTCAGTGACCTCAAATTCAAGGAGGTGAAGCGGGCAG-3'
Protein context (NP_006236.1, residues 118-138): FIQKLRQCCV[Leu128Phe]FDFVSDPLSD

ClinVar aggregate classification (germline): Uncertain significance (1 of 4 stars; one submission).

Submission:

Labcorp Genetics (formerly Invitae), Labcorp
Classification: Uncertain significance. Last evaluated: 2023-11-17. Review status: criteria provided, single submitter. Criteria: Invitae Variant Classification Sherloc (09022015). Collection method: clinical testing. Allele origin: germline.
Comment: This sequence change replaces leucine, which is neutral and non-polar, with phenylalanine, which is neutral and non-polar, at codon 128 of the PPP2R5D protein (p.Leu128Phe). This variant is not present in population databases (gnomAD no frequency). This variant has not been reported in the literature in individuals affected with PPP2R5D-related conditions. An algorithm developed to predict the effect of missense changes on protein structure and function (PolyPhen-2) suggests that this variant is likely to be disruptive. In summary, the available evidence is currently insufficient to determine the role of this variant in disease. Therefore, it has been classified as a Variant of Uncertain Significance.